The following is an entry in ClinVar:

NM_020632.3(ATP6V0A4):c.*162C>T

Gene: ATP6V0A4 (ATPase H+ transporting V0 subunit a4; minus strand). Cytogenetic location: 7q34.
Variant type: single nucleotide variant.
Coding change: c.*162C>T on transcript NM_020632.3 (MANE Select); 162 bases downstream of the stop codon, C replaced by T.
Molecular consequence: 3 prime UTR variant.
Genome position (GRCh38, 1-based): chr7:138,706,462, G>A on the plus strand (C>T on the coding strand, the complement: ATP6V0A4 is on the minus strand). VCF-style: chr7-138706462-G-A. GRCh37 (hg19) VCF-style: chr7-138391207-G-A.
Other names: c.*162C>T (NM_130840.3, NM_130841.3).
Identifiers: ClinVar variation 359000 (VCV000359000.7), dbSNP rs55832008, ClinGen allele CA10628260.
Genomic context (GRCh38, chr7:138,706,462, plus strand): 5'-TAATACCCCACATGAAGACAATATCACTTGCCAAAGTCCTTCCTCTGACGTGGTTAAGTC[G>A]TATCAAATCCACAGGCTGACGTCCAAATAATACACAGTTTCATGCTTCAGGTGAGCCAAG-3'

ClinVar aggregate classification (germline): Benign. Review status: criteria provided, multiple submitters, no conflicts (2 of 4 stars). 3 submissions from 3 submitters: Benign (3). Last evaluated 2018-11-10.

Conditions:
Autosomal recessive distal renal tubular acidosis. Identifiers: Orphanet 402041, MedGen C1864498, MONDO:0018440.

Allele frequency attached by ClinVar (database versions not stated): 1000 Genomes Project 0.05132; 1000 Genomes Project 30x 0.05231; TOPMed 0.09408; gnomAD 0.09762 and 0.09943.
gnomAD v4.1: 95,328 of 841,794 alleles (11%); highest among the groups gnomAD compares: Middle Eastern, 15%; 6,541 homozygotes.

Submissions (3):

GeneDx
Classification: Benign. Last evaluated: 2018-11-10. Review status: criteria provided, single submitter. Criteria: GeneDx Variant Classification Process June 2021. Collection method: clinical testing. Allele origin: germline. Affected: yes.

Illumina Laboratory Services, Illumina
Classification: Benign for Renal tubular acidosis, distal, 3, with or without sensorineural hearing loss. Last evaluated: 2018-01-12. Review status: criteria provided, single submitter. Criteria: ICSL Variant Classification Criteria 13 December 2019. Collection method: clinical testing. Allele origin: germline.
Comment: This variant was observed in the ICSL laboratory as part of a predisposition screen in an ostensibly healthy population. It had not been previously curated by ICSL or reported in the Human Gene Mutation Database (HGMD: prior to June 1st, 2018), and was therefore a candidate for classification through an automated scoring system. Utilizing variant allele frequency, disease prevalence and penetrance estimates, and inheritance mode, an automated score was calculated to assess if this variant is too frequent to cause the disease. Based on the score and internal cut-off values, a variant classified as benign is not then subjected to further curation. The score for this variant resulted in a classification of benign for this disease.

Breakthrough Genomics
Classification: Benign. Review status: criteria provided, single submitter. Criteria: ACMG Guidelines, 2015. Collection method: not provided. Allele origin: germline. Inheritance: Autosomal recessive inheritance. Affected: yes.